The following is an entry in ClinVar:

NM_000540.3(RYR1):c.9891C>G (p.Pro3297=)

Gene: RYR1 (ryanodine receptor 1; plus strand). Cytogenetic location: 19q13.2.
Variant type: single nucleotide variant.
Coding change: c.9891C>G on transcript NM_000540.3 (MANE Select); coding-DNA position 9891, C replaced by G.
Protein change: p.Pro3297=; no amino-acid change (proline 3297 retained).
Molecular consequence: synonymous variant.
Genome position (GRCh38, 1-based): chr19:38,517,564, C>G. VCF-style: chr19-38517564-C-G. GRCh37 (hg19) VCF-style: chr19-39008204-C-G.
Other names: c.9891C>G, p.Pro3297= (NM_001042723.2).
Identifiers: ClinVar variation 757840 (VCV000757840.9), dbSNP rs764839238, ClinGen allele CA074286.

ClinVar aggregate classification (germline): Likely benign. Review status: criteria provided, multiple submitters, no conflicts (2 of 4 stars). 2 submissions from 2 submitters: Likely benign (2). Last evaluated 2023-12-13.

Conditions:
RYR1-related disorder. Also called: RYR1-related condition; RYR1-related disorders. Identifiers: MedGen CN239331.
Malignant hyperthermia, susceptibility to, 1 (MHS1). Also called: Malignant hyperthermia suceptibility 1; RYR1-Related Malignant Hyperthermia Susceptibility; Anesthesia related hyperthermia; Malignant hyperpyrexia; Fulminating hyperpyrexia; Pharmacogenic myopathy. Identifiers: Orphanet 423, MedGen C2930980, MONDO:0007783, OMIM 145600.

gnomAD v4.1: 11 of 1,613,836 alleles (0.00068%); highest among the groups gnomAD compares: South Asian, 0.012%; no homozygotes.

Submissions (2):

All of Us Research Program, National Institutes of Health
Classification: Likely benign for Malignant hyperthermia, susceptibility to, 1. Last evaluated: 2023-12-13. Review status: criteria provided, single submitter. Criteria: ACMG Guidelines, 2015. Collection method: clinical testing. Allele origin: germline. Inheritance: Autosomal dominant inheritance. Observed: 1 variant allele, 1 heterozygote.
Comment: This study involves interpretation of variants in research participants for the purpose of population health screening. Participant phenotype was not available at the time of variant classification. Additional details can be found in publication PMID: 35346344, PMCID: PMC8962531

Labcorp Genetics (formerly Invitae), Labcorp
Classification: Likely benign for RYR1-related disorder. Last evaluated: 2023-05-16. Review status: criteria provided, single submitter. Criteria: Invitae Variant Classification Sherloc (09022015). Collection method: clinical testing. Allele origin: germline.